The following is an entry in ClinVar:

NC_000017.10:g.(?_41251772)_(41267816_?)dup

Gene: BRCA1 (BRCA1 DNA repair associated; minus strand). Cytogenetic location: 17q21.31.
Variant type: Duplication.
Identifiers: ClinVar variation 660155 (VCV000660155.3).

ClinVar aggregate classification (germline): Likely pathogenic (1 of 4 stars; one submission).

Conditions:
Hereditary breast ovarian cancer syndrome. Also called: BRCA1- and BRCA2-Associated Hereditary Breast and Ovarian Cancer; Hereditary breast and ovarian cancer syndrome; Hereditary breast and ovarian cancer syndrome (HBOC); Hereditary breast and/or ovarian cancer syndrome; Breast and ovarian cancer; Hereditary breast and ovarian cancer. Identifiers: Orphanet 145, MedGen C0677776, MeSH D061325, MONDO:0003582. Disease mechanism: loss of function.

Submission:

Labcorp Genetics (formerly Invitae), Labcorp
Classification: Likely pathogenic for Hereditary breast ovarian cancer syndrome. Last evaluated: 2022-07-14. Review status: criteria provided, single submitter. Criteria: Invitae Variant Classification Sherloc (09022015). Collection method: clinical testing. Allele origin: germline.
Comment: This variant results in a copy number gain of the genomic region encompassing exon(s) 3-7 of the BRCA1 gene. While the exact position of this variant cannot be determined from the data, sub-genic copy number gains are generally in tandem (PMID: 25640679). This variant is predicted to be out-of-frame, and may result in an absent or disrupted protein product. Loss-of-function variants in BRCA1 are known to be pathogenic (PMID: 20104584). A similar copy number variant has been observed in individual(s) with BRCA1-related conditions (PMID: 22762150). In summary, the currently available evidence indicates that the variant is pathogenic, but additional data are needed to prove that conclusively. Therefore, this variant has been classified as Likely Pathogenic.

Literature cited by the submitters: PubMed 25640679; PubMed 20104584; PubMed 22762150.